The following is an entry in ClinVar:

NM_015512.5(DNAH1):c.12380C>G (p.Thr4127Ser)

Gene: DNAH1 (dynein axonemal heavy chain 1; plus strand). Cytogenetic location: 3p21.1.
Variant type: single nucleotide variant.
Coding change: c.12380C>G on transcript NM_015512.5 (MANE Select); coding-DNA position 12380, C replaced by G.
Protein change: p.Thr4127Ser; replaces threonine 4127 with serine.
Molecular consequence: missense variant.
Genome position (GRCh38, 1-based): chr3:52,399,140, C>G. VCF-style: chr3-52399140-C-G. GRCh37 (hg19) VCF-style: chr3-52433156-C-G.
Other names: short protein forms T4127S.
Identifiers: ClinVar variation 733755 (VCV000733755.4), dbSNP rs548795920, ClinGen allele CA2436466.

ClinVar aggregate classification (germline): Likely benign. Review status: criteria provided, multiple submitters, no conflicts (2 of 4 stars). 2 submissions from 2 submitters: Likely benign (2). Last evaluated 2026-01-06.

Conditions:
DNAH1-related disorder. Also called: DNAH1-related condition.

Allele frequency attached by ClinVar (database versions not stated): TOPMed 0.00001; 1000 Genomes Project 30x 0.00031; 1000 Genomes Project 0.00040.
gnomAD v4.1: 244 of 1,613,946 alleles (0.015%); highest among the groups gnomAD compares: South Asian, 0.26%; 3 homozygotes.

Submissions (2):

PreventionGenetics, part of Exact Sciences
Classification: Likely benign for DNAH1-related condition. Last evaluated: 2026-01-06. Review status: criteria provided, single submitter. Criteria: ACMG Guidelines, 2015. Collection method: clinical testing. Allele origin: germline.
Comment: This variant is classified as likely benign based on ACMG/AMP sequence variant interpretation guidelines (Richards et al. 2015 PMID: 25741868, with internal and published modifications).

Labcorp Genetics (formerly Invitae), Labcorp
Classification: Likely benign. Last evaluated: 2019-01-02. Review status: criteria provided, single submitter. Criteria: Invitae Variant Classification Sherloc (09022015). Collection method: clinical testing. Allele origin: germline.